The following is an entry in ClinVar:

ClinVar aggregate classification (germline): Pathogenic/Likely pathogenic. Review status: criteria provided, multiple submitters, no conflicts (2 of 4 stars). 8 submissions from 8 submitters: Pathogenic (3); Likely pathogenic (5). Last evaluated 2026-09-17.

Conditions:
Factor H deficiency (CFHD). Also called: CFH DEFICIENCY; COMPLEMENT FACTOR H DEFICIENCY. Identifiers: Orphanet 200421, MedGen C0398777, MONDO:0012350, OMIM 609814.
Atypical hemolytic-uremic syndrome. Identifiers: Orphanet 2134, MedGen C2931788, MONDO:0016244.
CFH-related disorder. Also called: CFH-related condition; CFH-related disorders.
Age related macular degeneration 4. Identifiers: MedGen C1853147, MONDO:0012540, OMIM 610698.
Hemolytic uremic syndrome, atypical, susceptibility to, 1. Also called: AHUS, SUSCEPTIBILITY TO, 1. Identifiers: Orphanet 2134, Orphanet 90038, MedGen C2749604, MONDO:0009335, OMIM 235400. Disease mechanism: Other.
Basal laminar drusen. Also called: DRUSEN OF BRUCH MEMBRANE; DRUSEN, CUTICULAR; DRUSEN, EARLY ADULT-ONSET, GROUPED. Identifiers: Orphanet 75376, MedGen C0730295, MONDO:0007472, OMIM 126700.

Allele frequency attached by ClinVar (database versions not stated): gnomAD exomes below 0.00001.
gnomAD v4.1: 5 of 1,613,626 alleles (0.00031%); highest among the groups gnomAD compares: Non-Finnish European, 0.00034%; no homozygotes.

Submissions (8):

Genomenon, Inc
Classification: Pathogenic for Atypical hemolytic-uremic syndrome; Factor H deficiency. Last evaluated: 2026-09-17. Review status: criteria provided, single submitter. Criteria: Genomenon Sequence Variant Interpretation Standards - Updated. Collection method: curation. Allele origin: germline. Affected: yes.
Comment: CFH p.Trp71Ter (c.213G>A) is a nonsense variant that introduces a premature stop codon at amino acid position 71 and is predicted to result in a truncated or absent protein product. This variant has been observed in at least one proband affected with a CFH-related disorder (PMID: 38344720; 25899302). It is absent or not present at a significant frequency in gnomAD. In conclusion, we classify CFH p.Trp71Ter (c.213G>A) as a pathogenic variant.

Labcorp Genetics (formerly Invitae), Labcorp
Classification: Pathogenic. Last evaluated: 2025-12-03. Review status: criteria provided, single submitter. Criteria: Invitae Variant Classification Sherloc (09022015). Collection method: clinical testing. Allele origin: germline.
Comment: This sequence change creates a premature translational stop signal (p.Trp71*) in the CFH gene. It is expected to result in an absent or disrupted protein product. Loss-of-function variants in CFH are known to be pathogenic (PMID: 11170896, 14978182, 16621965, 23870792, 25188723). This variant is present in population databases (no rsID available, gnomAD 0.0009%). This variant has not been reported in the literature in individuals affected with CFH-related conditions. ClinVar contains an entry for this variant (Variation ID: 1417726). For these reasons, this variant has been classified as Pathogenic.

Mayo Clinic Laboratories, Mayo Clinic
Classification: Likely pathogenic. Last evaluated: 2025-08-04. Review status: criteria provided, single submitter. Criteria: ACMG Guidelines, 2015. Collection method: clinical testing. Allele origin: germline. Observed: 1 variant allele.
Comment: PM2_supporting, PVS1

Women's Health and Genetics/Laboratory Corporation of America, LabCorp
Classification: Pathogenic for CFH-Related Disorders. Last evaluated: 2024-07-01. Review status: criteria provided, single submitter. Criteria: LabCorp Variant Classification Summary - May 2015. Collection method: clinical testing. Allele origin: germline.
Comment: Variant summary: CFH c.213G>A (p.Trp71X) results in a premature termination codon, predicted to cause a truncation of the encoded protein or absence of the protein due to nonsense mediated decay, which are commonly known mechanisms for disease. The variant allele was found at a frequency of 4e-06 in 249794 control chromosomes. c.213G>A has been reported in the literature in individuals affected with CFH-Related Disorders (e.g. Bruel_2017). These report(s) do not provide unequivocal conclusions about association of the variant with CFH-Related Disorders. To our knowledge, no experimental evidence demonstrating an impact on protein function has been reported. The following publication have been ascertained in the context of this evaluation (PMID: 28596415). ClinVar contains an entry for this variant (Variation ID: 1417726). Based on the evidence outlined above, the variant was classified as pathogenic.

Blueprint Genetics
Classification: Likely pathogenic for CFH-related disorders. Last evaluated: 2024-06-25. Review status: criteria provided, single submitter. Criteria: ACMG Guidelines, 2015. Collection method: clinical testing. Allele origin: germline. Affected: yes. Observed: 1 variant allele.

Fulgent Genetics
Classification: Likely pathogenic for Basal laminar drusen; Hemolytic uremic syndrome, atypical, susceptibility to, 1; Factor H deficiency; Age related macular degeneration 4. Last evaluated: 2024-03-05. Review status: criteria provided, single submitter. Criteria: ACMG Guidelines, 2015. Collection method: clinical testing. Allele origin: germline.

Genome-Nilou Lab
Classification: Likely pathogenic for Factor H deficiency. Last evaluated: 2023-04-11. Review status: criteria provided, single submitter. Criteria: ACMG Guidelines, 2015. Collection method: clinical testing. Allele origin: germline. Affected: no.

PreventionGenetics, part of Exact Sciences
Classification: Likely pathogenic for CFH-related condition. Last evaluated: 2023-03-28. Review status: criteria provided, single submitter. Criteria: ACMG Guidelines, 2015. Collection method: clinical testing. Allele origin: germline.
Comment: The CFH c.213G>A variant is predicted to result in premature protein termination (p.Trp71*). This variant has been reported in an individual with atypical hemolytic uremic syndrome (Table 3, Sheerin et al. 2016 PubMed ID: 25899302). This variant is reported in 0.00089% of alleles in individuals of European (Non-Finnish) descent in gnomAD. Nonsense variants in CFH are expected to be pathogenic. This variant is interpreted as likely pathogenic.

Literature cited by the submitters: PubMed 38344720 (cited by Genomenon, Inc and Mayo Clinic Laboratories, Mayo Clinic); PubMed 25899302 (cited by Genomenon, Inc); PubMed 11170896 (cited by Labcorp Genetics (formerly Invitae), Labcorp and Mayo Clinic Laboratories, Mayo Clinic); PubMed 14978182 (cited by Labcorp Genetics (formerly Invitae), Labcorp and Mayo Clinic Laboratories, Mayo Clinic); PubMed 16621965 (cited by Labcorp Genetics (formerly Invitae), Labcorp and Mayo Clinic Laboratories, Mayo Clinic); PubMed 23870792 (cited by Labcorp Genetics (formerly Invitae), Labcorp and Mayo Clinic Laboratories, Mayo Clinic); PubMed 25188723 (cited by Labcorp Genetics (formerly Invitae), Labcorp and Mayo Clinic Laboratories, Mayo Clinic); PubMed 28596415 (cited by Mayo Clinic Laboratories, Mayo Clinic and Women's Health and Genetics/Laboratory Corporation of America, LabCorp); PubMed 37369098 (cited by Mayo Clinic Laboratories, Mayo Clinic).

NM_000186.4(CFH):c.213G>A (p.Trp71Ter)

Gene: CFH (complement factor H; plus strand). Cytogenetic location: 1q31.3.
Variant type: single nucleotide variant.
Coding change: c.213G>A on transcript NM_000186.4 (MANE Select); coding-DNA position 213, G replaced by A.
Protein change: p.Trp71Ter; replaces tryptophan 71 with a stop codon.
Molecular consequence: nonsense.
Genome position (GRCh38, 1-based): chr1:196,673,132, G>A. VCF-style: chr1-196673132-G-A. GRCh37 (hg19) VCF-style: chr1-196642262-G-A.
Other names: p.Trp71*; c.213G>A, p.Trp71Ter (NM_001014975.3); c.213G>A (NM_000186.3); short protein forms W71*.
Identifiers: ClinVar variation 1417726 (VCV001417726.15), dbSNP rs1210674261, ClinGen allele CA343996354.
Genomic context (GRCh38, chr1:196,673,132, plus strand): 5'-ATGCCGCCCTGGATATAGATCTCTTGGAAATGTAATAATGGTATGCAGGAAGGGAGAATG[G>A]GTTGCTCTTAATCCATTAAGGAAATGTCAGAGTAAGTACTTAATACATTTGTGAAATTTA-3'